The following is an entry in ClinVar:

ClinVar aggregate classification (germline): Pathogenic (1 of 4 stars; one submission).

Submission:

Labcorp Genetics (formerly Invitae), Labcorp
Classification: Pathogenic. Last evaluated: 2023-10-11. Review status: criteria provided, single submitter. Criteria: Invitae Variant Classification Sherloc (09022015). Collection method: clinical testing. Allele origin: unknown.
Comment: This variant is a gross deletion of the genomic region encompassing exon(s) 33-34 of the TTC37 gene. This deletion is out-of-frame, and is expected to create a premature termination codon and result in an absent or disrupted protein product. Loss-of-function variants in TTC37 are known to be pathogenic (PMID: 20176027, 21120949). This variant has not been reported in the literature in individuals affected with TTC37-related conditions. For these reasons, this variant has been classified as Pathogenic.

Literature cited by the submitters: PubMed 20176027; PubMed 21120949.

NC_000005.9:g.(?_94833100)_(94834315_?)del

Gene: SKIC3 (SKI3 subunit of superkiller complex; minus strand). Cytogenetic location: 5q15.
Variant type: Deletion.
Identifiers: ClinVar variation 3246515 (VCV003246515.1).